The following is an entry in ClinVar:

ClinVar aggregate classification (germline): Uncertain significance (1 of 4 stars; one submission).

Conditions:
Hypoplastic left heart syndrome. Also called: Hypoplastic left heart; Hypoplastic left ventricle. Identifiers: Orphanet 2248, MedGen C0152101, MONDO:0004933, HP:0004383.

Allele frequency attached by ClinVar (database versions not stated): ExAC 0.00005; gnomAD 0.00007; gnomAD exomes 0.00009.
gnomAD v4.1: 146 of 1,601,578 alleles (0.0091%); highest among the groups gnomAD compares: Non-Finnish European, 0.012%; no homozygotes.

Submission:

Labcorp Genetics (formerly Invitae), Labcorp
Classification: Uncertain significance for Hypoplastic left heart syndrome. Last evaluated: 2025-09-27. Review status: criteria provided, single submitter. Criteria: Invitae Variant Classification Sherloc (09022015). Collection method: clinical testing. Allele origin: germline.
Comment: This sequence change replaces proline, which is neutral and non-polar, with arginine, which is basic and polar, at codon 49 of the HAND1 protein (p.Pro49Arg). This variant is present in population databases (rs748866943, gnomAD 0.01%). This variant has not been reported in the literature in individuals affected with HAND1-related conditions. ClinVar contains an entry for this variant (Variation ID: 2169888). An algorithm developed to predict the effect of missense changes on protein structure and function (PolyPhen-2) suggests that this variant is likely to be tolerated. In summary, the available evidence is currently insufficient to determine the role of this variant in disease. Therefore, it has been classified as a Variant of Uncertain Significance.

NM_004821.3(HAND1):c.146C>G (p.Pro49Arg)

Gene: HAND1 (heart and neural crest derivatives expressed 1; minus strand). Cytogenetic location: 5q33.2.
Variant type: single nucleotide variant.
Coding change: c.146C>G on transcript NM_004821.3 (MANE Select); coding-DNA position 146, C replaced by G.
Protein change: p.Pro49Arg; replaces proline 49 with arginine.
Molecular consequence: missense variant.
Genome position (GRCh38, 1-based): chr5:154,477,863, G>C on the plus strand (C>G on the coding strand, the complement: HAND1 is on the minus strand). VCF-style: chr5-154477863-G-C. GRCh37 (hg19) VCF-style: chr5-153857423-G-C.
Other names: short protein forms P49R.
Identifiers: ClinVar variation 2169888 (VCV002169888.4), dbSNP rs748866943, ClinGen allele CA3526629.
Genomic context (GRCh38, chr5:154,477,863, plus strand): 5'-GCGGCTGCAGCGGCCGCGGGCGGCGGCCCGCCCGCAGGGAAGTCCGGGGCAGCGTCAGCC[G>C]GGCTCAGCAGCCAGCTCTGGAAGTAGGGCCTTTCCTGATGACAGCGCGAGGCCGGACCGA-3'
Protein context (NP_004812.1, residues 39-59): RPYFQSWLLS[Pro49Arg]ADAAPDFPAG